The following is an entry in ClinVar:

ClinVar aggregate classification (germline): Uncertain significance (1 of 4 stars; one submission).

Conditions:
Alagille syndrome due to a JAG1 point mutation. Also called: JAG1-Related Alagille Syndrome; Alagille Syndrome 1; HEPATIC DUCTULAR HYPOPLASIA, SYNDROMATIC. Identifiers: Orphanet 261619, Orphanet 52, MedGen C1956125, MONDO:0016862, OMIM 118450.

Submission:

Labcorp Genetics (formerly Invitae), Labcorp
Classification: Uncertain significance for Alagille syndrome due to a JAG1 point mutation. Last evaluated: 2024-05-02. Review status: criteria provided, single submitter. Criteria: Invitae Variant Classification Sherloc (09022015). Collection method: clinical testing. Allele origin: germline.
Comment: This sequence change replaces serine, which is neutral and polar, with tyrosine, which is neutral and polar, at codon 355 of the JAG1 protein (p.Ser355Tyr). This variant is not present in population databases (gnomAD no frequency). This variant has not been reported in the literature in individuals affected with JAG1-related conditions. Advanced modeling of protein sequence and biophysical properties (such as structural, functional, and spatial information, amino acid conservation, physicochemical variation, residue mobility, and thermodynamic stability) performed at Invitae indicates that this missense variant is not expected to disrupt JAG1 protein function with a negative predictive value of 80%. In summary, the available evidence is currently insufficient to determine the role of this variant in disease. Therefore, it has been classified as a Variant of Uncertain Significance.

NM_000214.3(JAG1):c.1064C>A (p.Ser355Tyr)

Gene: JAG1 (jagged canonical Notch ligand 1; minus strand). Cytogenetic location: 20p12.2.
Variant type: single nucleotide variant.
Coding change: c.1064C>A on transcript NM_000214.3 (MANE Select); coding-DNA position 1064, C replaced by A.
Protein change: p.Ser355Tyr; replaces serine 355 with tyrosine.
Molecular consequence: missense variant.
Genome position (GRCh38, 1-based): chr20:10,651,637, G>T on the plus strand (C>A on the coding strand, the complement: JAG1 is on the minus strand). VCF-style: chr20-10651637-G-T. GRCh37 (hg19) VCF-style: chr20-10632285-G-T.
Other names: short protein forms S355Y.
Identifiers: ClinVar variation 2718612 (VCV002718612.3), dbSNP rs1235681626, ClinGen allele CA408238754.